The following is an entry in ClinVar:

ClinVar aggregate classification (germline): Uncertain significance (1 of 4 stars; one submission).

Allele frequency attached by ClinVar (database versions not stated): gnomAD exomes 0.00001.

Submission:

Labcorp Genetics (formerly Invitae), Labcorp
Classification: Uncertain significance. Last evaluated: 2022-07-06. Review status: criteria provided, single submitter. Criteria: Invitae Variant Classification Sherloc (09022015). Collection method: clinical testing. Allele origin: germline.
Comment: In summary, the available evidence is currently insufficient to determine the role of this variant in disease. Therefore, it has been classified as a Variant of Uncertain Significance. Algorithms developed to predict the effect of missense changes on protein structure and function (SIFT, PolyPhen-2, Align-GVGD) all suggest that this variant is likely to be tolerated. This variant has not been reported in the literature in individuals affected with CISD2-related conditions. This variant is present in population databases (no rsID available, gnomAD 0.009%). This sequence change replaces alanine, which is neutral and non-polar, with threonine, which is neutral and polar, at codon 7 of the CISD2 protein (p.Ala7Thr).

NM_001008388.5(CISD2):c.19G>A (p.Ala7Thr)

Gene: CISD2 (CDGSH iron sulfur domain 2; plus strand). Cytogenetic location: 4q24.
Variant type: single nucleotide variant.
Coding change: c.19G>A on transcript NM_001008388.5 (MANE Select); coding-DNA position 19, G replaced by A.
Protein change: p.Ala7Thr; replaces alanine 7 with threonine.
Molecular consequence: missense variant.
Genome position (GRCh38, 1-based): chr4:102,869,103, G>A. VCF-style: chr4-102869103-G-A. GRCh37 (hg19) VCF-style: chr4-103790260-G-A.
Other names: short protein forms A7T.
Identifiers: ClinVar variation 2014382 (VCV002014382.4), dbSNP rs1347143247, ClinGen allele CA357760203.
Genomic context (GRCh38, chr4:102,869,103, plus strand): 5'-AGCGGAGGGGGCTCGGGAGAGGAGTGGACGCCGCTGGCCAGGATGGTGCTGGAGAGCGTG[G>A]CCCGTATCGTGAAGGTGCAGCTCCCTGCATATCTGAAGCGGCTCCCAGTCCCTGAAAGCA-3'
Protein context (NP_001008389.1, residues 1-17): MVLESV[Ala7Thr]RIVKVQLPAY